The following is an entry in ClinVar:

ClinVar aggregate classification (germline): Benign/Likely benign. Review status: criteria provided, multiple submitters, no conflicts (2 of 4 stars). 4 submissions from 4 submitters: Benign (1); Likely benign (2). 1 of the submissions does not count toward it. Last evaluated 2025-11-28.

Conditions:
Houge-Janssens syndrome 2. Also called: INTELLECTUAL DEVELOPMENTAL DISORDER, AUTOSOMAL DOMINANT 36; PPP2R1A-Related Neurodevelopmental Disorder; Microcephaly-corpus callosum hypoplasia-intellectual disability-facial dysmorphism syndrome. Identifiers: Orphanet 457284, MedGen C4225352, MONDO:0014605, OMIM 616362.

Allele frequency attached by ClinVar (database versions not stated): gnomAD 0.00021 and 0.00022; TOPMed 0.00026; gnomAD exomes 0.00054; ExAC 0.00130.
gnomAD v4.1: 314 of 1,550,678 alleles (0.02%); highest among the groups gnomAD compares: Admixed American, 0.014%; 3 homozygotes.

Submissions (4):

Labcorp Genetics (formerly Invitae), Labcorp
Classification: Benign. Last evaluated: 2025-11-28. Review status: criteria provided, single submitter. Criteria: Invitae Variant Classification Sherloc (09022015). Collection method: clinical testing. Allele origin: germline.

CeGaT Center for Human Genetics Tuebingen
Classification: Likely benign. Last evaluated: 2025-06-01. Review status: criteria provided, single submitter. Criteria: CeGaT Center For Human Genetics Tuebingen Variant Classification Criteria Version 2. Collection method: clinical testing. Allele origin: germline. Affected: yes. Observed: 1 variant allele.
Comment: PPP2R1A: BP4, BP7

Mendelics
Classification: Likely benign for Houge-Janssens syndrome 2. Last evaluated: 2019-05-28. Review status: criteria provided, single submitter. Criteria: Mendelics Assertion Criteria 2017. Collection method: clinical testing. Allele origin: unknown.

ITMI
No classification provided. Condition: AllHighlyPenetrant. Last evaluated: 2013-09-19. Review status: no classification provided. Collection method: reference population. Allele origin: germline. Not counted in ClinVar's aggregate classification.
Comment: Please see associated publication for description of ethnicities

Literature cited by the submitters: PubMed 24728327 (cited by ITMI).

NM_014225.6(PPP2R1A):c.75T>G (p.Val25=)

Gene: PPP2R1A (protein phosphatase 2 scaffold subunit Aalpha; plus strand). Cytogenetic location: 19q13.41.
Variant type: single nucleotide variant.
Coding change: c.75T>G on transcript NM_014225.6 (MANE Select); coding-DNA position 75, T replaced by G.
Protein change: p.Val25=; no amino-acid change (valine 25 retained).
Molecular consequence: synonymous variant. On other transcripts: non-coding transcript variant (1).
Genome position (GRCh38, 1-based): chr19:52,190,171, T>G. VCF-style: chr19-52190171-T-G. GRCh37 (hg19) VCF-style: chr19-52693424-T-G.
Identifiers: ClinVar variation 135073 (VCV000135073.21), dbSNP rs587778622, ClinGen allele CA161612.